The following is an entry in ClinVar:

NM_001605.3(AARS1):c.958C>G (p.Arg320Gly)

Gene: AARS1 (alanyl-tRNA synthetase 1; minus strand). Cytogenetic location: 16q22.1.
Variant type: single nucleotide variant.
Coding change: c.958C>G on transcript NM_001605.3 (MANE Select); coding-DNA position 958, C replaced by G.
Protein change: p.Arg320Gly; replaces arginine 320 with glycine.
Molecular consequence: missense variant.
Genome position (GRCh38, 1-based): chr16:70,269,622, G>C on the plus strand (C>G on the coding strand, the complement: AARS1 is on the minus strand). VCF-style: chr16-70269622-G-C. GRCh37 (hg19) VCF-style: chr16-70303525-G-C.
Other names: short protein forms R320G.
Identifiers: ClinVar variation 543183 (VCV000543183.34), dbSNP rs138490305, ClinGen allele CA8140990.

ClinVar aggregate classification (germline): Uncertain significance. Review status: criteria provided, multiple submitters, no conflicts (2 of 4 stars). 3 submissions from 3 submitters: Uncertain significance (3). Last evaluated 2024-03-29.

Conditions:
Charcot-Marie-Tooth disease type 2. Also called: Charcot-Marie-Tooth type 2. Identifiers: Orphanet 64746, MedGen C0270914, MONDO:0018993.

Allele frequency attached by ClinVar (database versions not stated): TOPMed 0.00002.
gnomAD v4.1: 2 of 1,613,862 alleles (0.00012%); highest among the groups gnomAD compares: Non-Finnish European, 0.00017%; no homozygotes.

Submissions (3):

GeneDx
Classification: Uncertain significance. Last evaluated: 2024-03-29. Review status: criteria provided, single submitter. Criteria: GeneDx Variant Classification Process June 2021. Collection method: clinical testing. Allele origin: germline. Affected: yes.
Comment: Not observed at significant frequency in large population cohorts (gnomAD); In silico analysis supports that this missense variant has a deleterious effect on protein structure/function; Has not been previously published as pathogenic or benign to our knowledge; This variant is associated with the following publications: (PMID: 25817015)

CeGaT Center for Human Genetics Tuebingen
Classification: Uncertain significance. Last evaluated: 2023-10-01. Review status: criteria provided, single submitter. Criteria: CeGaT Center For Human Genetics Tuebingen Variant Classification Criteria Version 2. Collection method: clinical testing. Allele origin: germline. Affected: yes. Observed: 1 variant allele.
Comment: AARS1: PM2, PM5, PP3

Labcorp Genetics (formerly Invitae), Labcorp
Classification: Uncertain significance for Charcot-Marie-Tooth disease type 2. Last evaluated: 2023-07-25. Review status: criteria provided, single submitter. Criteria: Invitae Variant Classification Sherloc (09022015). Collection method: clinical testing. Allele origin: germline.
Comment: This sequence change replaces arginine, which is basic and polar, with glycine, which is neutral and non-polar, at codon 320 of the AARS protein (p.Arg320Gly). This variant is present in population databases (rs138490305, gnomAD 0.0009%). This variant has not been reported in the literature in individuals affected with AARS-related conditions. ClinVar contains an entry for this variant (Variation ID: 543183). Advanced modeling of protein sequence and biophysical properties (such as structural, functional, and spatial information, amino acid conservation, physicochemical variation, residue mobility, and thermodynamic stability) has been performed at Invitae for this missense variant, however the output from this modeling did not meet the statistical confidence thresholds required to predict the impact of this variant on AARS protein function. In summary, the available evidence is currently insufficient to determine the role of this variant in disease. Therefore, it has been classified as a Variant of Uncertain Significance.